The following is an entry in ClinVar:

ClinVar aggregate classification (germline): Likely benign. Review status: criteria provided, multiple submitters, no conflicts (2 of 4 stars). 3 submissions from 3 submitters: Likely benign (2). 1 of the submissions does not count toward it. Last evaluated 2024-11-30.

Conditions:
FANCA-related disorder. Also called: FANCA-related condition.
Inborn genetic diseases. Identifiers: MedGen C0950123, MeSH D030342.
Fanconi anemia (FA). Also called: Fanconi's anemia. Identifiers: Orphanet 84, MedGen C0015625, MeSH D005199, MONDO:0019391.

Allele frequency attached by ClinVar (database versions not stated): gnomAD exomes below 0.00001 and 0.00001; gnomAD 0.00001; TOPMed 0.00002.
gnomAD v4.1: 5 of 1,614,072 alleles (0.00031%); highest among the groups gnomAD compares: Admixed American, 0.0033%; no homozygotes.

Submissions (3):

Ambry Genetics
Classification: Likely benign for Inborn genetic diseases. Last evaluated: 2024-11-30. Review status: criteria provided, single submitter. Criteria: Ambry Variant Classification Scheme 2023. Collection method: clinical testing. Allele origin: germline.

Labcorp Genetics (formerly Invitae), Labcorp
Classification: Likely benign for Fanconi anemia. Last evaluated: 2024-01-15. Review status: criteria provided, single submitter. Criteria: Invitae Variant Classification Sherloc (09022015). Collection method: clinical testing. Allele origin: germline.

PreventionGenetics, part of Exact Sciences
Classification: Likely benign for FANCA-related condition. Last evaluated: 2019-02-28. Review status: no assertion criteria provided. Collection method: clinical testing. Allele origin: germline. Not counted in ClinVar's aggregate classification.
Comment: This variant is classified as likely benign based on ACMG/AMP sequence variant interpretation guidelines (Richards et al. 2015 PMID: 25741868, with internal and published modifications).

NM_000135.4(FANCA):c.1419G>C (p.Leu473=)

Gene: FANCA (FA complementation group A; minus strand). Cytogenetic location: 16q24.3.
Variant type: single nucleotide variant.
Coding change: c.1419G>C on transcript NM_000135.4 (MANE Select); coding-DNA position 1419, G replaced by C.
Protein change: p.Leu473=; no amino-acid change (leucine 473 retained).
Molecular consequence: synonymous variant.
Genome position (GRCh38, 1-based): chr16:89,784,905, C>G on the plus strand (G>C on the coding strand, the complement: FANCA is on the minus strand). VCF-style: chr16-89784905-C-G. GRCh37 (hg19) VCF-style: chr16-89851313-C-G.
Other names: c.1419G>C, p.Leu473= (NM_001286167.3); c.1419G>C (LRG_495t1).
Identifiers: ClinVar variation 456078 (VCV000456078.13), dbSNP rs1337670144, ClinGen allele CA497191241.